The following is an entry in ClinVar:

NM_033305.3(VPS13A):c.3368del (p.Phe1123fs)

Gene: VPS13A (vacuolar protein sorting 13 homolog A; plus strand). Cytogenetic location: 9q21.2.
Variant type: Deletion.
Coding change: c.3368del on transcript NM_033305.3 (MANE Select); coding-DNA position 3368, one base deleted (T; older notation c.3368delT).
Protein change: p.Phe1123fs; shifts the reading frame from phenylalanine 1123.
Molecular consequence: frameshift variant.
Genome position (GRCh38, 1-based): chr9:77,293,369, T deleted; the last of 4 consecutive T bases (chr9:77,293,366-77,293,369); deleting any one gives the same sequence. VCF-style (leftmost placement, unchanged base first): chr9-77293365-GT-G. GRCh37 (hg19) VCF-style: chr9-79908281-GT-G.
Other names: c.3251del, p.Phe1084fs (NM_001018037.2); c.3368del, p.Phe1123fs (NM_001018038.3, NM_015186.4); short protein forms F1084fs, F1123fs.
Identifiers: ClinVar variation 5013149 (VCV005013149.1).
Genomic context (GRCh38, chr9:77,293,365, plus strand): 5'-AAATGGATTGTGATAATTAAATTTTCTCTTATTAAGGCTGTTTATATCACTGGAAAAGAA[GT>G]TTTCAGCTTCAAAATGGTTTCTTACATGGATGCAACTGCTGGTTCTGCATACACAGATAT-3'

ClinVar aggregate classification (germline): Pathogenic (1 of 4 stars; one submission).

Conditions:
VPS13A-related neurodegenerative disease. Also called: ACANTHOCYTOSIS WITH NEUROLOGIC DISORDER; LEVINE-CRITCHLEY SYNDROME; Choreoacanthocytosis; Chorea-acanthocytosis; Choreaacanthocytosis; VPS13A Disease. Identifiers: Orphanet 2388, MedGen C0393576, MONDO:0008695, OMIM 200150.

Submission:

Myriad Genetics, Inc.
Classification: Pathogenic for VPS13A-related neurodegenerative disease. Last evaluated: 2024-06-04. Review status: criteria provided, single submitter. Criteria: Myriad Autosomal Dominant, Autosomal Recessive and X-Linked Classification Criteria (2023). Collection method: clinical testing. Allele origin: unknown.
Comment: NM_033305.2(VPS13A):c.3368delT(F1123Sfs*20) is expected to be pathogenic in the context of VPS13A disease. This variant is predicted to lead to an abnormal or absent protein product due to the creation of a premature termination codon in VPS13A, a gene where loss-of-function variants are known to be pathogenic. Please note: this variant was assessed in the context of healthy population screening.